The following is an entry in ClinVar:

NM_004329.3(BMPR1A):c.167T>G (p.Leu56Trp)

Gene: BMPR1A (bone morphogenetic protein receptor type 1A; plus strand). Cytogenetic location: 10q23.2.
Variant type: single nucleotide variant.
Coding change: c.167T>G on transcript NM_004329.3 (MANE Select); coding-DNA position 167, T replaced by G.
Protein change: p.Leu56Trp; replaces leucine 56 with tryptophan.
Molecular consequence: missense variant.
Genome position (GRCh38, 1-based): chr10:86,890,161, T>G. VCF-style: chr10-86890161-T-G. GRCh37 (hg19) VCF-style: chr10-88649918-T-G.
Other names: short protein forms L56W.
Identifiers: ClinVar variation 529900 (VCV000529900.10), dbSNP rs1554888125, ClinGen allele CA377446803.
Genomic context (GRCh38, chr10:86,890,161, plus strand): 5'-AATCAGACTCCGACCAGAAAAAGTCAGAAAATGGAGTAACCTTAGCACCAGAGGATACCT[T>G]GCCTTTTTTAAAGTGCTATTGCTCAGGGCACTGTCCAGATGATGCTATTAATAACACATG-3'
Protein context (NP_004320.2, residues 46-66): NGVTLAPEDT[Leu56Trp]PFLKCYCSGH

ClinVar aggregate classification (germline): Uncertain significance (1 of 4 stars; one submission).

Conditions:
Juvenile polyposis syndrome (JPS). Identifiers: Orphanet 2929, MedGen C0345893, MONDO:0017380, OMIM 174900.

Submission:

Labcorp Genetics (formerly Invitae), Labcorp
Classification: Uncertain significance for Juvenile polyposis syndrome. Last evaluated: 2017-11-20. Review status: criteria provided, single submitter. Criteria: Invitae Variant Classification Sherloc (09022015). Collection method: clinical testing. Allele origin: germline.
Comment: This sequence change replaces leucine with tryptophan at codon 56 of the BMPR1A protein (p.Leu56Trp). The leucine residue is moderately conserved and there is a small physicochemical difference between leucine and tryptophan. This variant is not present in population databases (ExAC no frequency). This variant has not been reported in the literature in individuals with BMPR1A-related disease. Algorithms developed to predict the effect of missense changes on protein structure and function do not agree on the potential impact of this missense change (SIFT: "Tolerated"; PolyPhen-2: "Possibly Damaging"; Align-GVGD: "Class C0"). In summary, the available evidence is currently insufficient to determine the role of this variant in disease. Therefore, it has been classified as a Variant of Uncertain Significance.